The following is an entry in ClinVar:

ClinVar aggregate classification (germline): Uncertain significance. Review status: criteria provided, multiple submitters, no conflicts (2 of 4 stars). 2 submissions from 2 submitters: Uncertain significance (2). Last evaluated 2024-07-30.

Conditions:
Inborn genetic diseases. Identifiers: MedGen C0950123, MeSH D030342.
Charcot-Marie-Tooth disease type 2. Also called: Charcot-Marie-Tooth type 2. Identifiers: Orphanet 64746, MedGen C0270914, MONDO:0018993.

Allele frequency attached by ClinVar (database versions not stated): gnomAD 0.00008 and 0.00007; gnomAD exomes 0.00002; ExAC 0.00001; TOPMed 0.00006.
gnomAD v4.1: 33 of 1,613,814 alleles (0.002%); highest among the groups gnomAD compares: African/African-American, 0.019%; no homozygotes.

Submissions (2):

Labcorp Genetics (formerly Invitae), Labcorp
Classification: Uncertain significance for Charcot-Marie-Tooth disease type 2. Last evaluated: 2024-07-30. Review status: criteria provided, single submitter. Criteria: Invitae Variant Classification Sherloc (09022015). Collection method: clinical testing. Allele origin: germline.
Comment: This sequence change replaces proline, which is neutral and non-polar, with leucine, which is neutral and non-polar, at codon 702 of the AARS protein (p.Pro702Leu). This variant is present in population databases (rs776471315, gnomAD 0.01%). This variant has not been reported in the literature in individuals affected with AARS-related conditions. ClinVar contains an entry for this variant (Variation ID: 476738). An algorithm developed to predict the effect of missense changes on protein structure and function (PolyPhen-2) suggests that this variant is likely to be disruptive. In summary, the available evidence is currently insufficient to determine the role of this variant in disease. Therefore, it has been classified as a Variant of Uncertain Significance.

Ambry Genetics
Classification: Uncertain significance for Inborn genetic diseases. Last evaluated: 2024-03-07. Review status: criteria provided, single submitter. Criteria: Ambry Variant Classification Scheme 2023. Collection method: clinical testing. Allele origin: germline.

NM_001605.3(AARS1):c.2105C>T (p.Pro702Leu)

Gene: AARS1 (alanyl-tRNA synthetase 1; minus strand). Cytogenetic location: 16q22.1.
Variant type: single nucleotide variant.
Coding change: c.2105C>T on transcript NM_001605.3 (MANE Select); coding-DNA position 2105, C replaced by T.
Protein change: p.Pro702Leu; replaces proline 702 with leucine.
Molecular consequence: missense variant.
Genome position (GRCh38, 1-based): chr16:70,258,105, G>A on the plus strand (C>T on the coding strand, the complement: AARS1 is on the minus strand). VCF-style: chr16-70258105-G-A. GRCh37 (hg19) VCF-style: chr16-70292008-G-A.
Other names: short protein forms P702L.
Identifiers: ClinVar variation 476738 (VCV000476738.9), dbSNP rs776471315, ClinGen allele CA8140564.